The following continues an entry in ClinVar:

NM_000059.4(BRCA2):c.771_775del (p.Asn257fs)

Gene: BRCA2. ClinVar aggregate classification (germline): Pathogenic. Pathogenic (1).

Submissions 10 to 27 of 36:

Department of Clinical Genetics, Copenhagen University Hospital, Rigshospitalet
Classification: Pathogenic for Breast-ovarian cancer, familial, susceptibility to, 2. Last evaluated: 2024-05-27. Review status: criteria provided, single submitter. Criteria: ACMG Guidelines, 2015. Collection method: clinical testing. Allele origin: germline. Affected: yes. Not counted in ClinVar's aggregate classification.
Comment: PVS1; PM5_PTC_Strong

All of Us Research Program, National Institutes of Health
Classification: Pathogenic for BRCA2-related cancer predisposition. Last evaluated: 2024-03-28. Review status: criteria provided, single submitter. Criteria: ACMG Guidelines, 2015. Collection method: clinical testing. Allele origin: germline. Inheritance: Autosomal dominant inheritance. Observed: 3 variant alleles, 3 heterozygotes. Not counted in ClinVar's aggregate classification.
Comment: This variant deletes 5 nucleotides in exon 9 of the BRCA2 gene, creating a frameshift and premature translation stop signal. This variant is also known as 999del5 and 995delCAAAT in the literature. This variant is expected to result in an absent protein product and transient expression of this variant protein in ex vivo cells showed that it was unstable (PMID: 15217494). This variant has been reported as an Iceland founder mutation where it segregates with female and male breast cancer in families (PMID: 8673089, 9150155). This variant is found to confer risk for breast cancer and ovarian cancer (PMID: 12114473, 15571962, 16768547). Haplotype analysis also suggests there are two common haplotypes for this variant in Finnish breast cancer affected families (PMID: 11781689). This variant also has been observed in breast and ovarian cancer affected individuals and families in Austria, Egypt, France and South Korea (PMID: 23877192, 24156927, 24549055, 25863477). This variant has been identified in 2/250748 chromosomes in the general population by the Genome Aggregation Database (gnomAD). Loss of BRCA2 function is a known mechanism of disease. Based on the available evidence, this variant is classified as Pathogenic.

This study involves interpretation of variants in research participants for the purpose of population health screening. Participant phenotype was not available at the time of variant classification. Additional details can be found in publication PMID: 35346344, PMCID: PMC8962531

Baylor Genetics
Classification: Pathogenic for Familial cancer of breast. Last evaluated: 2023-11-24. Review status: criteria provided, single submitter. Criteria: ACMG Guidelines, 2015. Collection method: clinical testing. Allele origin: unknown. Not counted in ClinVar's aggregate classification.

Clinical Genetics Laboratory, Skane University Hospital Lund
Classification: Pathogenic. Last evaluated: 2023-10-13. Review status: criteria provided, single submitter. Criteria: ACMG Guidelines, 2015. Collection method: clinical testing. Allele origin: germline. Affected: yes. Not counted in ClinVar's aggregate classification.

GeneDx
Classification: Pathogenic. Last evaluated: 2023-08-01. Review status: criteria provided, single submitter. Criteria: GeneDx Variant Classification Process June 2021. Collection method: clinical testing. Allele origin: germline. Affected: yes. Not counted in ClinVar's aggregate classification.
Comment: Frameshift variant predicted to result in protein truncation or nonsense mediated decay in a gene for which loss-of-function is a known mechanism of disease; Published functional studies demonstrate a damaging effect: shown in expression studies to be extremely unstable and to impact cytokinesis (Mikaelsdottir et al., 2004; Jonsdottir et al., 2009); Reported as a founder pathogenic variant in Iceland, accounting for 7-8% of all breast and ovarian cancer in the country (Johannesdottir et al., 1996; Thorlacius et al., 1997; Jonsdottir et al., 2009); Observed in individuals with a personal or family history consistent with pathogenic variants in this gene (Tavtigian et al., 1996; Thorlacius et al., 1997; Azzollini et al., 2017; Chan et al., 2018; Bhaskaran et al., 2019); Truncating variants in this gene are considered pathogenic by a well-established clinical consortium and/or database; Not observed at significant frequency in large population cohorts (gnomAD); Also known as 999_1003del; This variant is associated with the following publications: (PMID: 28199346, 23857704, 8589730, 19478387, 8706004, 23747895, 9150155, 27537391, 28235830, 27062684, 29339979, 10807692, 30720243, 30702160, 30093976, 31159747, 31957001, 29625052, 26689913, 30787465, 31723001, 30350268, 31825140, 34254208, 32341426, 9802270, 30875412, 15571962, 34645131, 15217494)

Women's Health and Genetics/Laboratory Corporation of America, LabCorp
Classification: Pathogenic for Hereditary breast ovarian cancer syndrome. Last evaluated: 2023-07-06. Review status: criteria provided, single submitter. Criteria: LabCorp Variant Classification Summary - May 2015. Collection method: clinical testing. Allele origin: germline. Not counted in ClinVar's aggregate classification.
Comment: Variant summary: BRCA2 c.771_775delTCAAA (p.Asn257LysfsX17) results in a premature termination codon, predicted to cause a truncation of the encoded protein or absence of the protein due to nonsense mediated decay, which are commonly known mechanisms for disease. Variants downstream of this position have been classified as pathogenic by our laboratory. The variant allele was found at a frequency of 8e-06 in 250748 control chromosomes (gnomAD). c.771_775delTCAAA has been reported in the literature in multiple individuals affected with Hereditary Breast And Ovarian Cancer Syndrome (examples: Johannesdottir_1996 and Ingvarsson_1998). These data indicate that the variant is very likely to be associated with disease. At least one publication reports experimental evidence evaluating an impact on protein function and demonstrated variant affects normal protein expression (example: Mikaelsdottir_2004). The following publications have been ascertained in the context of this evaluation (PMID: 9766673, 8706004, 15217494). Eighteen submitters have cited clinical-significance assessments for this variant to ClinVar after 2014. All submitters classified the variant as pathogenic. Based on the evidence outlined above, the variant was classified as pathogenic.

Blueprint Genetics
Classification: Pathogenic for BRCA2-related disorders. Last evaluated: 2022-11-21. Review status: criteria provided, single submitter. Criteria: ACMG Guidelines, 2015. Collection method: clinical testing. Allele origin: germline. Affected: yes. Observed: 5 variant alleles. Not counted in ClinVar's aggregate classification.

Laboratorio de Genetica e Diagnostico Molecular, Hospital Israelita Albert Einstein
Classification: Pathogenic for Breast-ovarian cancer, familial, susceptibility to, 2. Last evaluated: 2022-05-27. Review status: criteria provided, single submitter. Criteria: ACMG Guidelines, 2015. Collection method: clinical testing. Allele origin: germline. Affected: yes. Observed: 1 variant allele. Not counted in ClinVar's aggregate classification.
Comment: ACMG classification criteria: PVS1 very strong, PS3 supporting, PS4 strong, PM2 moderated, PP1 strong

Institute for Clinical Genetics, University Hospital TU Dresden, University Hospital TU Dresden
Classification: Pathogenic. Last evaluated: 2021-11-03. Review status: criteria provided, single submitter. Criteria: ACMG Guidelines, 2015. Collection method: clinical testing. Allele origin: germline. Not counted in ClinVar's aggregate classification.

Human Genome Sequencing Center Clinical Lab, Baylor College of Medicine
Classification: Pathogenic for hereditary breast and ovarian cancer syndrome. Last evaluated: 2021-09-03. Review status: criteria provided, single submitter. Criteria: ACMG Guidelines, 2015. Collection method: clinical testing. Allele origin: unknown. Not counted in ClinVar's aggregate classification.

Department of Molecular Diagnostics, Institute of Oncology Ljubljana
Classification: Pathogenic for Breast-ovarian cancer, familial, susceptibility to, 1. Last evaluated: 2020-04-02. Review status: criteria provided, single submitter. Criteria: ACMG Guidelines, 2015. Collection method: clinical testing. Allele origin: germline. Affected: yes. Not counted in ClinVar's aggregate classification.

Department of Medical Genetics, Oslo University Hospital
Classification: Pathogenic for Breast-ovarian cancer, familial, susceptibility to, 2. Last evaluated: 2016-12-19. Review status: criteria provided, single submitter. Criteria: ACMG Guidelines, 2015. Collection method: clinical testing. Allele origin: germline. Affected: yes. Observed: 6 variant alleles. Not counted in ClinVar's aggregate classification.

Clinical Genetics and Genomics, Karolinska University Hospital
Classification: Pathogenic. Last evaluated: 2015-12-09. Review status: criteria provided, single submitter. Criteria: ACMG Guidelines, 2015. Collection method: clinical testing. Allele origin: germline. Affected: yes. Observed: 3 variant alleles. Not counted in ClinVar's aggregate classification.

Consortium of Investigators of Modifiers of BRCA1/2 (CIMBA), c/o University of Cambridge
Classification: Pathogenic for Breast-ovarian cancer, familial, susceptibility to, 2. Last evaluated: 2015-10-02. Review status: criteria provided, single submitter. Criteria: CIMBA Mutation Classification guidelines May 2016. Collection method: clinical testing. Allele origin: germline. Not counted in ClinVar's aggregate classification.

Clinical Genetics DNA and cytogenetics Diagnostics Lab, Erasmus MC, Erasmus Medical Center
Classification: Pathogenic for Breast-ovarian cancer, familial, susceptibility to, 2. Last evaluated: 2015-09-21. Review status: criteria provided, single submitter. Criteria: ACGS Guidelines, 2013. Collection method: clinical testing. Allele origin: germline. Affected: yes. Study: VKGL Data-share Consensus. Not counted in ClinVar's aggregate classification.

Department of Pathology and Laboratory Medicine, Sinai Health System
Classification: Pathogenic for Hereditary breast ovarian cancer syndrome. Review status: criteria provided, single submitter. Criteria: ACMG Guidelines, 2015. Collection method: clinical testing. Allele origin: germline. Affected: yes. Study: The Canadian Open Genetics Repository (COGR). Not counted in ClinVar's aggregate classification.

deCODE genetics, Amgen
Classification: Pathogenic for Breast-ovarian cancer, familial, susceptibility to, 2. Last evaluated: 2023-07-21. Review status: no assertion criteria provided. Collection method: research. Allele origin: germline. Affected: yes. Observed: 1,161 variant alleles. Not counted in ClinVar's aggregate classification.
Comment: The variant NM_000059.4:c.771_775del (chr13:32331003) in BRCA2 was detected in 421 heterozygotes out of 58K WGS Icelanders (MAF= 0,363%). Following imputation in a set of 166K Icelanders (1,161 imputed heterozygotes) we observed an association with breast cancer using 6908 cases and 292623 controls (OR= 17.14, P= 1.37e-172). This variant has been reported in ClinVar previously as pathogenic. Based on ACMG criteria (PVS1, PS4, PP5) this variant classifies as pathogenic.

BRCAlab, Lund University
Classification: Pathogenic for Breast-ovarian cancer, familial, susceptibility to, 2. Last evaluated: 2022-08-26. Review status: no assertion criteria provided. Collection method: clinical testing. Allele origin: germline. Affected: yes. Not counted in ClinVar's aggregate classification.